The following is an entry in ClinVar:

NM_014974.3(DIP2C):c.3980A>C (p.His1327Pro)

Gene: DIP2C (DIP2 acetate--CoA ligase C (putative); minus strand). Cytogenetic location: 10p15.3.
Variant type: single nucleotide variant.
Coding change: c.3980A>C on transcript NM_014974.3 (MANE Select); coding-DNA position 3980, A replaced by C.
Protein change: p.His1327Pro; replaces histidine 1327 with proline.
Molecular consequence: missense variant.
Genome position (GRCh38, 1-based): chr10:310,037, T>G on the plus strand (A>C on the coding strand, the complement: DIP2C is on the minus strand). VCF-style: chr10-310037-T-G. GRCh37 (hg19) VCF-style: chr10-355977-T-G.
Other names: short protein forms H1327P.
Identifiers: ClinVar variation 2717938 (VCV002717938.3), dbSNP rs2540360301, ClinGen allele CA375825429.

ClinVar aggregate classification (germline): Uncertain significance (1 of 4 stars; one submission).

Submission:

Labcorp Genetics (formerly Invitae), Labcorp
Classification: Uncertain significance. Last evaluated: 2023-06-20. Review status: criteria provided, single submitter. Criteria: Invitae Variant Classification Sherloc (09022015). Collection method: clinical testing. Allele origin: germline.
Comment: This sequence change replaces histidine, which is basic and polar, with proline, which is neutral and non-polar, at codon 1327 of the DIP2C protein (p.His1327Pro). In summary, the available evidence is currently insufficient to determine the role of this variant in disease. Therefore, it has been classified as a Variant of Uncertain Significance. An algorithm developed to predict the effect of missense changes on protein structure and function (PolyPhen-2) suggests that this variant is likely to be disruptive. This variant has not been reported in the literature in individuals affected with DIP2C-related conditions. This variant is not present in population databases (gnomAD no frequency).